The following is an entry in ClinVar:

ClinVar aggregate classification (germline): Conflicting classifications of pathogenicity. Review status: criteria provided, conflicting classifications (1 of 4 stars). 2 submissions from 2 submitters: Pathogenic (1); Uncertain significance (1). Last evaluated 2022-08-09.

Conditions:
Mild intellectual disability. Identifiers: MedGen C0026106, HP:0001256.

Allele frequency attached by ClinVar (database versions not stated): gnomAD exomes 0.00002 and 0.00003; ExAC 0.00005; gnomAD 0.00005 and 0.00006; TOPMed 0.00005.
gnomAD v4.1: 33 of 1,551,428 alleles (0.0021%); highest among the groups gnomAD compares: Middle Eastern, 0.017%; no homozygotes.

Submissions (2):

Labcorp Genetics (formerly Invitae), Labcorp
Classification: Uncertain significance. Last evaluated: 2022-08-09. Review status: criteria provided, single submitter. Criteria: Invitae Variant Classification Sherloc (09022015). Collection method: clinical testing. Allele origin: germline.
Comment: This sequence change creates a premature translational stop signal (p.Arg36*) in the KPNA7 gene. It is expected to result in an absent or disrupted protein product. However, the current clinical and genetic evidence is not sufficient to establish whether loss-of-function variants in KPNA7 cause disease. This variant is present in population databases (rs760378316, gnomAD 0.03%). This variant has not been reported in the literature in individuals affected with KPNA7-related conditions. ClinVar contains an entry for this variant (Variation ID: 209169). In summary, the available evidence is currently insufficient to determine the role of this variant in disease. Therefore, it has been classified as a Variant of Uncertain Significance.

Baylor Genetics
Classification: Pathogenic for Intellectual disability, mild. Last evaluated: 2014-10-07. Review status: criteria provided, single submitter. Criteria: Yang et al. 2013. Collection method: clinical testing. Allele origin: maternal. Inheritance: Autosomal recessive inheritance. Affected: yes. Observed: 1 variant allele, 1 compound heterozygote. Study: Adult_WES.

Literature cited by the submitters: PubMed 26633545 (cited by Baylor Genetics).

NM_001145715.3(KPNA7):c.106C>T (p.Arg36Ter)

Gene: KPNA7 (karyopherin subunit alpha 7; minus strand). Cytogenetic location: 7q22.1.
Variant type: single nucleotide variant.
Coding change: c.106C>T on transcript NM_001145715.3 (MANE Select); coding-DNA position 106, C replaced by T.
Protein change: p.Arg36Ter; replaces arginine 36 with a stop codon.
Molecular consequence: nonsense.
Genome position (GRCh38, 1-based): chr7:99,203,201, G>A on the plus strand (C>T on the coding strand, the complement: KPNA7 is on the minus strand). VCF-style: chr7-99203201-G-A. GRCh37 (hg19) VCF-style: chr7-98800824-G-A.
Other names: short protein forms R36*.
Identifiers: ClinVar variation 209169 (VCV000209169.8), dbSNP rs760378316, ClinGen allele CA250371.
Genomic context (GRCh38, chr7:99,203,201, plus strand): 5'-CAGGGCAGAAGCTCGTGATATTCCTTCTCTTTAAGGTCTGTTCATCTTTCTTGGCCTTTC[G>A]GAGCTCCAGACTGACCGCCATCCTCTGCTGTCGCCTCAGCTAGTGAGGAAAAGAAATTGG-3'